The following is an entry in ClinVar:

NM_000516.7(GNAS):c.6C>G (p.Gly2=)

Gene: GNAS (GNAS complex locus; plus strand). Cytogenetic location: 20q13.32.
Variant type: single nucleotide variant.
Coding change: c.6C>G on transcript NM_000516.7 (MANE Select); coding-DNA position 6, C replaced by G.
Protein change: p.Gly2=; no amino-acid change (glycine 2 retained).
Molecular consequence: synonymous variant. On other transcripts: intron variant (8).
Genome position (GRCh38, 1-based): chr20:58,891,732, C>G. VCF-style: chr20-58891732-C-G. GRCh37 (hg19) VCF-style: chr20-57466787-C-G.
Other names: c.6C>G, p.Gly2= (NM_001077488.5, NM_001077489.4, NM_001309842.2 and 1 more transcripts); c.*43-3880C>G (NM_016592.5); c.44-3880C>G (NM_001410912.1); c.-38-3880C>G (NM_001309861.2); c.*1-3880C>G (NM_001077490.3); c.2069-3880C>G (NM_080425.4, NM_001410913.1); c.*159-3880C>G (NM_001309883.1); c.-39+2379C>G (NM_001309840.2).
Identifiers: ClinVar variation 3355131 (VCV003355131.1).
Genomic context (GRCh38, chr20:58,891,732, plus strand): 5'-GCCCGCGCCCGCCGCCGCCGCAGCCCGGCCGCGCCCCGCCGCCGCCGCCGCCGCCATGGG[C>G]TGCCTCGGGAACAGTAAGACCGAGGACCAGCGCAACGAGGAGAAGGCGCAGCGTGAGGCC-3'
Protein context (NP_000507.1, residues 1-12): M[Gly2=]CLGNSKTEDQ

ClinVar aggregate classification (germline): Likely benign (0 of 4 stars; one submission).

Conditions:
GNAS-related disorder. Identifiers: MedGen CN380105.

gnomAD v4.1: 3 of 1,162,764 alleles (0.00026%); highest among the groups gnomAD compares: Non-Finnish European, 0.00033%; no homozygotes.

Submission:

PreventionGenetics, part of Exact Sciences
Classification: Likely benign for GNAS-related condition. Last evaluated: 2022-03-14. Review status: no assertion criteria provided. Collection method: clinical testing. Allele origin: germline.
Comment: This variant is classified as likely benign based on ACMG/AMP sequence variant interpretation guidelines (Richards et al. 2015 PMID: 25741868, with internal and published modifications).